The following is an entry in ClinVar:

NM_032801.5(JAM3):c.245A>G (p.Asn82Ser)

Gene: JAM3 (junctional adhesion molecule 3; plus strand). Cytogenetic location: 11q25.
Variant type: single nucleotide variant.
Coding change: c.245A>G on transcript NM_032801.5 (MANE Select); coding-DNA position 245, A replaced by G.
Protein change: p.Asn82Ser; replaces asparagine 82 with serine.
Molecular consequence: missense variant.
Genome position (GRCh38, 1-based): chr11:134,140,759, A>G. VCF-style: chr11-134140759-A-G. GRCh37 (hg19) VCF-style: chr11-134010654-A-G.
Other names: c.245A>G, p.Asn82Ser (NM_001205329.2); short protein forms N82S.
Identifiers: ClinVar variation 2095131 (VCV002095131.4), dbSNP rs2497285032, ClinGen allele CA383496131.
Genomic context (GRCh38, chr11:134,140,759, plus strand): 5'-ACCCCAGGATCGAGTGGAAGAAAATTCAAGATGAACAAACCACATATGTGTTTTTTGACA[A>G]CAAAATTCAGGGTATGATCCTGTAGTCCTCTTGCCTGCTGACCTTTCCTCTGTCCATAGA-3'
Protein context (NP_116190.3, residues 72-92): DEQTTYVFFD[Asn82Ser]KIQGDLAGRA

ClinVar aggregate classification (germline): Uncertain significance (1 of 4 stars; one submission).

Allele frequency attached by ClinVar (database versions not stated): gnomAD exomes below 0.00001.
gnomAD v4.1: 3 of 1,613,494 alleles (0.00019%); highest among the groups gnomAD compares: South Asian, 0.0033%; no homozygotes.

Submission:

Labcorp Genetics (formerly Invitae), Labcorp
Classification: Uncertain significance. Last evaluated: 2022-09-06. Review status: criteria provided, single submitter. Criteria: Invitae Variant Classification Sherloc (09022015). Collection method: clinical testing. Allele origin: germline.
Comment: This variant is not present in population databases (gnomAD no frequency). This sequence change replaces asparagine, which is neutral and polar, with serine, which is neutral and polar, at codon 82 of the JAM3 protein (p.Asn82Ser). This variant has not been reported in the literature in individuals affected with JAM3-related conditions. In summary, the available evidence is currently insufficient to determine the role of this variant in disease. Therefore, it has been classified as a Variant of Uncertain Significance. Algorithms developed to predict the effect of sequence changes on RNA splicing suggest that this variant may create or strengthen a splice site. Algorithms developed to predict the effect of missense changes on protein structure and function are either unavailable or do not agree on the potential impact of this missense change (SIFT: "Deleterious"; PolyPhen-2: "Benign"; Align-GVGD: "Class C45").